The following is an entry in ClinVar:

ClinVar aggregate classification (germline): Uncertain significance (1 of 4 stars; one submission).

gnomAD v4.1: 6 of 1,613,520 alleles (0.00037%); highest among the groups gnomAD compares: Non-Finnish European, 0.00042%; no homozygotes.

Submission:

Labcorp Genetics (formerly Invitae), Labcorp
Classification: Uncertain significance. Last evaluated: 2024-07-21. Review status: criteria provided, single submitter. Criteria: Invitae Variant Classification Sherloc (09022015). Collection method: clinical testing. Allele origin: germline.
Comment: This sequence change replaces serine, which is neutral and polar, with asparagine, which is neutral and polar, at codon 1576 of the KAT6A protein (p.Ser1576Asn). This variant is present in population databases (no rsID available, gnomAD 0.0009%). This variant has not been reported in the literature in individuals affected with KAT6A-related conditions. Experimental studies and prediction algorithms are not available or were not evaluated, and the functional significance of this variant is currently unknown. In summary, the available evidence is currently insufficient to determine the role of this variant in disease. Therefore, it has been classified as a Variant of Uncertain Significance.

NM_006766.5(KAT6A):c.4727G>A (p.Ser1576Asn)

Gene: KAT6A (lysine acetyltransferase 6A; minus strand). Cytogenetic location: 8p11.21.
Variant type: single nucleotide variant.
Coding change: c.4727G>A on transcript NM_006766.5 (MANE Select); coding-DNA position 4727, G replaced by A.
Protein change: p.Ser1576Asn; replaces serine 1576 with asparagine.
Molecular consequence: missense variant.
Genome position (GRCh38, 1-based): chr8:41,933,493, C>T on the plus strand (G>A on the coding strand, the complement: KAT6A is on the minus strand). VCF-style: chr8-41933493-C-T. GRCh37 (hg19) VCF-style: chr8-41791011-C-T.
Other names: short protein forms S1576N.
Identifiers: ClinVar variation 3609849 (VCV003609849.2).
Genomic context (GRCh38, chr8:41,933,493, plus strand): 5'-CTGGAGGACGACAGCCCACCGTAGGAGCAGCTGCTCTGGGAAGAGCTGTTCCCACAGATG[C>T]TGCCGCCCATCGTGGAGTCGTAACTGCTTGGGTTCTCATAGTTTTCAGTGGTGCTCTCAA-3'
Protein context (NP_006757.2, residues 1566-1586): PSSYDSTMGG[Ser1576Asn]ICGNSSSQSS